The following is an entry in ClinVar:

ClinVar aggregate classification (germline): Uncertain significance. Review status: criteria provided, multiple submitters, no conflicts (2 of 4 stars). 2 submissions from 2 submitters: Uncertain significance (2). Last evaluated 2023-10-05.

Submissions (2):

GeneDx
Classification: Uncertain significance. Last evaluated: 2023-10-05. Review status: criteria provided, single submitter. Criteria: GeneDx Variant Classification Process June 2021. Collection method: clinical testing. Allele origin: germline. Affected: yes.
Comment: In-frame deletion of 1 amino acidsin a non-repeat region; In silico analysis supports a deleterious effect on protein structure/function; Has not been previously published as pathogenic or benign to our knowledge

Labcorp Genetics (formerly Invitae), Labcorp
Classification: Uncertain significance. Last evaluated: 2023-04-25. Review status: criteria provided, single submitter. Criteria: Invitae Variant Classification Sherloc (09022015). Collection method: clinical testing. Allele origin: germline.
Comment: This variant has not been reported in the literature in individuals affected with FBXO11-related conditions. In summary, the available evidence is currently insufficient to determine the role of this variant in disease. Therefore, it has been classified as a Variant of Uncertain Significance. Experimental studies and prediction algorithms are not available or were not evaluated, and the functional significance of this variant is currently unknown. This variant is present in population databases (rs765522999, gnomAD 0.006%). This variant, c.2457_2459del, results in the deletion of 1 amino acid(s) of the FBXO11 protein (p.Ile819del), but otherwise preserves the integrity of the reading frame.

NM_001190274.2(FBXO11):c.2454AAT[1] (p.Ile819del)

Genes: FBXO11 (F-box protein 11; minus strand), MSH6 (mutS homolog 6; plus strand). Cytogenetic location: 2p16.3.
Variant type: Microsatellite.
Coding change: c.2454AAT[1] on transcript NM_001190274.2 (MANE Select); one copy of the 3-base unit AAT starting at c.2454; the reference has two copies in a row; one copy, 3 bases deleted.
Protein change: p.Ile819del; deletes isoleucine 819.
Molecular consequence: inframe deletion. On other transcripts: intron variant (6).
Genome position (GRCh38, 1-based): chr2:47,809,254-47,809,256, ATT deleted on the plus strand (AAT on the coding strand, the reverse complement: FBXO11 is on the minus strand); deleting any 3 consecutive bases within chr2:47,809,254-47,809,259 gives the same sequence; the position shown is the placement nearest the transcript's 3' end. VCF-style (leftmost placement, unchanged base first): chr2-47809253-CATT-C. GRCh37 (hg19) VCF-style: chr2-48036392-CATT-C.
Other names: c.2202AAT[1], p.Ile735del (NM_001374325.1, NM_025133.4); c.*44-742_*44-740del (NM_001406809.1); c.*41-742_*41-740del (NM_001406796.1, NM_001406811.1, NM_001406805.1 and 2 more transcripts); short protein forms I819del, I735del.
Identifiers: ClinVar variation 2997793 (VCV002997793.4), dbSNP rs765522999, ClinGen allele CA068912.